The following is an entry in ClinVar:

NM_000138.5(FBN1):c.7378A>G (p.Lys2460Glu)

Gene: FBN1 (fibrillin 1; minus strand). Cytogenetic location: 15q21.1.
Variant type: single nucleotide variant.
Coding change: c.7378A>G on transcript NM_000138.5 (MANE Select); coding-DNA position 7378, A replaced by G.
Protein change: p.Lys2460Glu; replaces lysine 2460 with glutamic acid.
Molecular consequence: missense variant.
Genome position (GRCh38, 1-based): chr15:48,425,444, T>C on the plus strand (A>G on the coding strand, the complement: FBN1 is on the minus strand). VCF-style: chr15-48425444-T-C. GRCh37 (hg19) VCF-style: chr15-48717641-T-C.
Other names: c.7378A>G, p.Lys2460Glu (NM_001406716.1); short protein forms K2460E.
Identifiers: ClinVar variation 4756637 (VCV004756637.1).

ClinVar aggregate classification (germline): Uncertain significance (1 of 4 stars; one submission).

Conditions:
Familial thoracic aortic aneurysm and aortic dissection (TAAD). Also called: Thoracic aortic aneurysms and dissections. Identifiers: Orphanet 91387, MedGen C4707243, MONDO:0019625.

Submission:

Color Diagnostics, LLC DBA Color Health
Classification: Uncertain significance for Familial thoracic aortic aneurysm and aortic dissection. Last evaluated: 2025-04-06. Review status: criteria provided, single submitter. Criteria: ACMG Guidelines, 2015. Collection method: clinical testing. Allele origin: germline.
Comment: This missense variant replaces lysine with glutamic acid at codon 2460 of the FBN1 protein. Computational prediction suggests that this variant may have deleterious impact on protein structure and function. To our knowledge, functional studies have not been reported for this variant. This variant has not been reported in individuals affected with FBN1-related disorders in the literature. This variant has not been identified in the general population by the Genome Aggregation Database (gnomAD). The available evidence is insufficient to determine the role of this variant in disease conclusively. Therefore, this variant is classified as a Variant of Uncertain Significance.